The following is an entry in ClinVar:

ClinVar aggregate classification (germline): Uncertain significance (1 of 4 stars; one submission).

Conditions:
Inborn genetic diseases. Identifiers: MedGen C0950123, MeSH D030342.

Submission:

Ambry Genetics
Classification: Uncertain significance for Inborn genetic diseases. Last evaluated: 2024-02-29. Review status: criteria provided, single submitter. Criteria: Ambry Variant Classification Scheme 2023. Collection method: clinical testing. Allele origin: germline.
Comment: The p.C515Y variant (also known as c.1544G>A), located in coding exon 11 of the EPAS1 gene, results from a G to A substitution at nucleotide position 1544. The cysteine at codon 515 is replaced by tyrosine, an amino acid with highly dissimilar properties. This amino acid position is conserved. In addition, this alteration is predicted to be tolerated by in silico analysis. Based on the available evidence, the clinical significance of this alteration remains unclear.

NM_001430.5(EPAS1):c.1544G>A (p.Cys515Tyr)

Gene: EPAS1 (endothelial PAS domain protein 1; plus strand). Cytogenetic location: 2p21.
Variant type: single nucleotide variant.
Coding change: c.1544G>A on transcript NM_001430.5 (MANE Select); coding-DNA position 1544, G replaced by A.
Protein change: p.Cys515Tyr; replaces cysteine 515 with tyrosine.
Molecular consequence: missense variant.
Genome position (GRCh38, 1-based): chr2:46,378,757, G>A. VCF-style: chr2-46378757-G-A. GRCh37 (hg19) VCF-style: chr2-46605896-G-A.
Other names: short protein forms C515Y.
Identifiers: ClinVar variation 3221556 (VCV003221556.1), dbSNP rs2546474687, ClinGen allele CA346704336.